The following is an entry in ClinVar:

NM_014141.6(CNTNAP2):c.3797-1G>T

Gene: CNTNAP2 (contactin associated protein 2; plus strand). Cytogenetic location: 7q36.1.
Variant type: single nucleotide variant.
Coding change: c.3797-1G>T on transcript NM_014141.6 (MANE Select); the canonical splice acceptor site of the intron before coding-DNA position 3797, G replaced by T.
Molecular consequence: splice acceptor variant.
Genome position (GRCh38, 1-based): chr7:148,415,416, G>T. VCF-style: chr7-148415416-G-T. GRCh37 (hg19) VCF-style: chr7-148112508-G-T.
Identifiers: ClinVar variation 2091240 (VCV002091240.4), dbSNP rs2485759927, ClinGen allele CA369706643.

ClinVar aggregate classification (germline): Uncertain significance (1 of 4 stars; one submission).

Conditions:
Cortical dysplasia-focal epilepsy syndrome (PTHSL1). Also called: Pitt-Hopkins-like syndrome 1. Identifiers: Orphanet 163681, Orphanet 221150, MedGen C2750246, MONDO:0012400, OMIM 610042.

Submission:

Labcorp Genetics (formerly Invitae), Labcorp
Classification: Uncertain significance for Cortical dysplasia-focal epilepsy syndrome. Last evaluated: 2022-07-26. Review status: criteria provided, single submitter. Criteria: Invitae Variant Classification Sherloc (09022015). Collection method: clinical testing. Allele origin: germline.
Comment: This sequence change affects an acceptor splice site in intron 23 of the CNTNAP2 gene. While this variant is not anticipated to result in nonsense mediated decay, it likely alters RNA splicing and results in a disrupted protein product. This variant is not present in population databases (gnomAD no frequency). This variant has not been reported in the literature in individuals affected with CNTNAP2-related conditions. Variants that disrupt the consensus splice site are a relatively common cause of aberrant splicing (PMID: 17576681, 9536098). Algorithms developed to predict the effect of sequence changes on RNA splicing suggest that this variant may disrupt the consensus splice site. In summary, the available evidence is currently insufficient to determine the role of this variant in disease. Therefore, it has been classified as a Variant of Uncertain Significance.

Literature cited by the submitters: PubMed 17576681; PubMed 9536098.